The following is an entry in ClinVar:

ClinVar aggregate classification (germline): Uncertain significance (1 of 4 stars; one submission).

gnomAD v4.1: 4 of 1,558,024 alleles (0.00026%); highest among the groups gnomAD compares: Non-Finnish European, 0.00026%; no homozygotes.

Submission:

Ambry Genetics
Classification: Uncertain significance. Last evaluated: 2025-04-22. Review status: criteria provided, single submitter. Criteria: Ambry Variant Classification Scheme 2023. Collection method: clinical testing. Allele origin: germline.
Comment: The p.D1601N variant (also known as c.4801G>A), located in coding exon 19 of the WNK2 gene, results from a G to A substitution at nucleotide position 4801. The aspartic acid at codon 1601 is replaced by asparagine, an amino acid with highly similar properties. This amino acid position is conserved. In addition, this alteration is predicted to be tolerated by in silico analysis. Based on the available evidence, the clinical significance of this variant remains unclear.

NM_006648.4(WNK2):c.4801G>A (p.Asp1601Asn)

Gene: WNK2 (WNK lysine deficient protein kinase 2; plus strand). Cytogenetic location: 9q22.31.
Variant type: single nucleotide variant.
Coding change: c.4801G>A on transcript NM_006648.4 (MANE Select); coding-DNA position 4801, G replaced by A.
Protein change: p.Asp1601Asn; replaces aspartic acid 1601 with asparagine.
Molecular consequence: missense variant.
Genome position (GRCh38, 1-based): chr9:93,289,555, G>A. VCF-style: chr9-93289555-G-A. GRCh37 (hg19) VCF-style: chr9-96051837-G-A.
Other names: c.4912G>A, p.Asp1638Asn (NM_001282394.3); short protein forms D1601N, D1638N.
Identifiers: ClinVar variation 3981938 (VCV003981938.1).